The following is an entry in ClinVar:

ClinVar aggregate classification (germline): Conflicting classifications of pathogenicity. Review status: criteria provided, conflicting classifications (1 of 4 stars). 3 submissions from 3 submitters: Uncertain significance (2); Benign (1). Last evaluated 2023-12-04.

Conditions:
Ovarian cancer. Also called: OVARIAN CANCER, SOMATIC. Identifiers: Orphanet 213500, MedGen C1140680, MONDO:0008170, OMIM 167000.
Hereditary nonpolyposis colorectal neoplasms. Identifiers: MedGen C0009405, MeSH D003123.
Hereditary cancer-predisposing syndrome. Also called: Neoplastic Syndromes, Hereditary; Tumor predisposition; Hereditary Cancer Syndrome; Hereditary neoplastic syndrome. Identifiers: Orphanet 140162, MedGen C0027672, MeSH D009386, MONDO:0015356.

Allele frequency attached by ClinVar (database versions not stated): gnomAD exomes below 0.00001.

Submissions (3):

Color Diagnostics, LLC DBA Color Health
Classification: Uncertain significance for Hereditary cancer-predisposing syndrome. Last evaluated: 2023-12-04. Review status: criteria provided, single submitter. Criteria: ACMG Guidelines, 2015. Collection method: clinical testing. Allele origin: germline.
Comment: This missense variant replaces valine with isoleucine at codon 808 of the MSH6 protein. Computational prediction suggests that this variant may not impact protein structure and function (internally defined REVEL score threshold <= 0.5, PMID: 27666373). To our knowledge, functional studies have not been reported for this variant. This variant has not been reported in individuals affected with MSH6-related disorders in the literature. This variant has not been identified in the general population by the Genome Aggregation Database (gnomAD). The available evidence is insufficient to determine the role of this variant in disease conclusively. Therefore, this variant is classified as a Variant of Uncertain Significance.

Labcorp Genetics (formerly Invitae), Labcorp
Classification: Uncertain significance for Hereditary nonpolyposis colorectal neoplasms. Last evaluated: 2022-07-25. Review status: criteria provided, single submitter. Criteria: Invitae Variant Classification Sherloc (09022015). Collection method: clinical testing. Allele origin: germline.
Comment: In summary, the available evidence is currently insufficient to determine the role of this variant in disease. Therefore, it has been classified as a Variant of Uncertain Significance. Advanced modeling of protein sequence and biophysical properties (such as structural, functional, and spatial information, amino acid conservation, physicochemical variation, residue mobility, and thermodynamic stability) performed at Invitae indicates that this missense variant is not expected to disrupt MSH6 protein function. ClinVar contains an entry for this variant (Variation ID: 923264). This variant has not been reported in the literature in individuals affected with MSH6-related conditions. This variant is not present in population databases (gnomAD no frequency). This sequence change replaces valine, which is neutral and non-polar, with isoleucine, which is neutral and non-polar, at codon 808 of the MSH6 protein (p.Val808Ile).

Laboratory of Molecular Epidemiology of Birth Defects, West China Second University Hospital, Sichuan University
Classification: Benign for Ovarian cancer. Last evaluated: 2022-01-01. Review status: criteria provided, single submitter. Criteria: ACMG Guidelines, 2015. Collection method: clinical testing. Allele origin: germline. Affected: yes.

NM_000179.3(MSH6):c.2422G>A (p.Val808Ile)

Gene: MSH6 (mutS homolog 6; plus strand). Cytogenetic location: 2p16.3.
Variant type: single nucleotide variant.
Coding change: c.2422G>A on transcript NM_000179.3 (MANE Select); coding-DNA position 2422, G replaced by A.
Protein change: p.Val808Ile; replaces valine 808 with isoleucine.
Molecular consequence: missense variant.
Genome position (GRCh38, 1-based): chr2:47,800,405, G>A. VCF-style: chr2-47800405-G-A. GRCh37 (hg19) VCF-style: chr2-48027544-G-A.
Other names: c.2032G>A, p.Val678Ile (NM_001281492.2); c.1516G>A, p.Val506Ile (NM_001281493.2, NM_001281494.2); short protein forms V506I, V678I, V808I.
Identifiers: ClinVar variation 923264 (VCV000923264.11), dbSNP rs1434578765, ClinGen allele CA346754013.